The following is an entry in ClinVar:

ClinVar aggregate classification (germline): Uncertain significance (1 of 4 stars; one submission).

Conditions:
POLD1-related polyposis and colorectal cancer syndrome (CRCS10). Also called: Colorectal cancer 10; COLORECTAL CANCER, SUSCEPTIBILITY TO, ON CHROMOSOME 19q; Colorectal cancer, susceptibility to, 10. Identifiers: Orphanet 220460, MedGen C2675481, MONDO:0012953, OMIM 612591.

Submission:

Labcorp Genetics (formerly Invitae), Labcorp
Classification: Uncertain significance for POLD1-related polyposis and colorectal cancer syndrome. Last evaluated: 2024-07-08. Review status: criteria provided, single submitter. Criteria: Invitae Variant Classification Sherloc (09022015). Collection method: clinical testing. Allele origin: germline.
Comment: This sequence change replaces valine, which is neutral and non-polar, with glycine, which is neutral and non-polar, at codon 415 of the POLD1 protein (p.Val415Gly). This variant is not present in population databases (gnomAD no frequency). This variant has not been reported in the literature in individuals affected with POLD1-related conditions. An algorithm developed to predict the effect of missense changes on protein structure and function (PolyPhen-2) suggests that this variant is likely to be disruptive. RNA analysis performed to evaluate the impact of this missense change on mRNA splicing indicates it does not significantly alter splicing (Invitae). In summary, the available evidence is currently insufficient to determine the role of this variant in disease. Therefore, it has been classified as a Variant of Uncertain Significance.

NM_002691.4(POLD1):c.1244T>G (p.Val415Gly)

Gene: POLD1 (DNA polymerase delta 1, catalytic subunit; plus strand). Cytogenetic location: 19q13.33.
Variant type: single nucleotide variant.
Coding change: c.1244T>G on transcript NM_002691.4 (MANE Select); coding-DNA position 1244, T replaced by G.
Protein change: p.Val415Gly; replaces valine 415 with glycine.
Molecular consequence: missense variant. On other transcripts: non-coding transcript variant (1).
Genome position (GRCh38, 1-based): chr19:50,406,183, T>G. VCF-style: chr19-50406183-T-G. GRCh37 (hg19) VCF-style: chr19-50909440-T-G.
Other names: c.1244T>G, p.Val415Gly (NM_001256849.1, NM_001308632.1); short protein forms V415G.
Identifiers: ClinVar variation 3658955 (VCV003658955.2).